The following is an entry in ClinVar:

NM_006846.4(SPINK5):c.3003G>C (p.Arg1001Ser)

Gene: SPINK5 (serine peptidase inhibitor Kazal type 5; plus strand). Cytogenetic location: 5q32.
Variant type: single nucleotide variant.
Coding change: c.3003G>C on transcript NM_006846.4 (MANE Select); coding-DNA position 3003, G replaced by C.
Protein change: p.Arg1001Ser; replaces arginine 1001 with serine.
Molecular consequence: missense variant.
Genome position (GRCh38, 1-based): chr5:148,131,297, G>C. VCF-style: chr5-148131297-G-C. GRCh37 (hg19) VCF-style: chr5-147510860-G-C.
Other names: c.3093G>C, p.Arg1031Ser (NM_001127698.2); short protein forms R1031S, R1001S.
Identifiers: ClinVar variation 959280 (VCV000959280.7), dbSNP rs778383258, ClinGen allele CA3496219.

ClinVar aggregate classification (germline): Uncertain significance (1 of 4 stars; one submission).

Conditions:
Netherton syndrome (NETH). Also called: NETHERTON DISEASE; ERYTHRODERMA, ICHTHYOSIFORM, WITH HYPOTRICHOSIS AND HYPER-IgE; COMEL-NETHERTON SYNDROME. Identifiers: Orphanet 634, MedGen C5574950, MONDO:0009735, OMIM 256500.

Allele frequency attached by ClinVar (database versions not stated): gnomAD exomes 0.00006 and 0.00014; TOPMed 0.00006; ExAC 0.00015.
gnomAD v4.1: 35 of 1,613,868 alleles (0.0022%); highest among the groups gnomAD compares: Admixed American, 0.058%; no homozygotes.

Submission:

Labcorp Genetics (formerly Invitae), Labcorp
Classification: Uncertain significance for Ichthyosis linearis circumflexa. Last evaluated: 2022-08-09. Review status: criteria provided, single submitter. Criteria: Invitae Variant Classification Sherloc (09022015). Collection method: clinical testing. Allele origin: germline.
Comment: This sequence change replaces arginine, which is basic and polar, with serine, which is neutral and polar, at codon 1001 of the SPINK5 protein (p.Arg1001Ser). This variant is present in population databases (rs778383258, gnomAD 0.1%). This variant has not been reported in the literature in individuals affected with SPINK5-related conditions. ClinVar contains an entry for this variant (Variation ID: 959280). Algorithms developed to predict the effect of missense changes on protein structure and function are either unavailable or do not agree on the potential impact of this missense change (SIFT: "Deleterious"; PolyPhen-2: "Possibly Damaging"; Align-GVGD: "Class C0"). In summary, the available evidence is currently insufficient to determine the role of this variant in disease. Therefore, it has been classified as a Variant of Uncertain Significance.